The following is an entry in ClinVar:

ClinVar aggregate classification (germline): Likely benign. Review status: criteria provided, multiple submitters, no conflicts (2 of 4 stars). 3 submissions from 3 submitters: Likely benign (3). Last evaluated 2026-04-01.

Conditions:
MN1-related disorder. Also called: MN1-related condition.

Allele frequency attached by ClinVar (database versions not stated): TOPMed 0.00060; gnomAD exomes 0.00094; 1000 Genomes Project 30x 0.00109; 1000 Genomes Project 0.00120; ExAC 0.00137; gnomAD 0.00220.
gnomAD v4.1: 1,657 of 1,534,362 alleles (0.11%); highest among the groups gnomAD compares: East Asian, 0.71%; 15 homozygotes.

Submissions (3):

CeGaT Center for Human Genetics Tuebingen
Classification: Likely benign. Last evaluated: 2026-04-01. Review status: criteria provided, single submitter. Criteria: CeGaT Center For Human Genetics Tuebingen Variant Classification Criteria Version 2. Collection method: clinical testing. Allele origin: germline. Affected: yes. Observed: 2 variant alleles.
Comment: MN1: BS1

Blueprint Genetics
Classification: Likely benign. Last evaluated: 2024-10-24. Review status: criteria provided, single submitter. Criteria: ACMG Guidelines, 2015. Collection method: clinical testing. Allele origin: germline.

PreventionGenetics, part of Exact Sciences
Classification: Likely benign for MN1-related condition. Last evaluated: 2024-10-10. Review status: criteria provided, single submitter. Criteria: ACMG Guidelines, 2015. Collection method: clinical testing. Allele origin: germline.
Comment: This variant is classified as likely benign based on ACMG/AMP sequence variant interpretation guidelines (Richards et al. 2015 PMID: 25741868, with internal and published modifications).

NM_002430.3(MN1):c.1783G>A (p.Val595Met)

Gene: MN1 (MN1 proto-oncogene, transcriptional regulator; minus strand). Cytogenetic location: 22q12.1.
Variant type: single nucleotide variant.
Coding change: c.1783G>A on transcript NM_002430.3 (MANE Select); coding-DNA position 1783, G replaced by A.
Protein change: p.Val595Met; replaces valine 595 with methionine.
Molecular consequence: missense variant.
Genome position (GRCh38, 1-based): chr22:27,798,761, C>T on the plus strand (G>A on the coding strand, the complement: MN1 is on the minus strand). VCF-style: chr22-27798761-C-T. GRCh37 (hg19) VCF-style: chr22-28194749-C-T.
Other names: c.1783G>A (NM_002430.2); short protein forms V595M.
Identifiers: ClinVar variation 3024690 (VCV003024690.24), dbSNP rs45473596, ClinGen allele CA10166344.